The following is an entry in ClinVar:

ClinVar aggregate classification (germline): Uncertain significance (1 of 4 stars; one submission).

Conditions:
Werner syndrome (WRN). Identifiers: Orphanet 902, MedGen C0043119, MONDO:0010196, OMIM 277700.

Submission:

Labcorp Genetics (formerly Invitae), Labcorp
Classification: Uncertain significance for Werner syndrome. Last evaluated: 2023-06-24. Review status: criteria provided, single submitter. Criteria: Invitae Variant Classification Sherloc (09022015). Collection method: clinical testing. Allele origin: germline.
Comment: ClinVar contains an entry for this variant (Variation ID: 1461511). In summary, the available evidence is currently insufficient to determine the role of this variant in disease. Therefore, it has been classified as a Variant of Uncertain Significance. An algorithm developed to predict the effect of missense changes on protein structure and function (PolyPhen-2) suggests that this variant is likely to be disruptive. This variant has not been reported in the literature in individuals affected with WRN-related conditions. This variant is not present in population databases (gnomAD no frequency). This sequence change replaces leucine, which is neutral and non-polar, with phenylalanine, which is neutral and non-polar, at codon 161 of the WRN protein (p.Leu161Phe).

NM_000553.6(WRN):c.483G>C (p.Leu161Phe)

Gene: WRN (WRN RecQ like helicase; plus strand). Cytogenetic location: 8p12.
Variant type: single nucleotide variant.
Coding change: c.483G>C on transcript NM_000553.6 (MANE Select); coding-DNA position 483, G replaced by C.
Protein change: p.Leu161Phe; replaces leucine 161 with phenylalanine.
Molecular consequence: missense variant.
Genome position (GRCh38, 1-based): chr8:31,065,042, G>C. VCF-style: chr8-31065042-G-C. GRCh37 (hg19) VCF-style: chr8-30922558-G-C.
Other names: short protein forms L161F.
Identifiers: ClinVar variation 1461511 (VCV001461511.6), dbSNP rs2130037315, ClinGen allele CA370915031.
Genomic context (GRCh38, chr8:31,065,042, plus strand): 5'-AGGAGATCAGTGGAAACTTCTACGTGACTTTGATATCAAATTGAAGAATTTTGTGGAGTT[G>C]ACAGATGTTGCCAATAAAAAGGTAAAAGCAATATATATATAATTTTCATGATGAAGATTA-3'
Protein context (NP_000544.2, residues 151-171): FDIKLKNFVE[Leu161Phe]TDVANKKLKC